The following is an entry in ClinVar:

ClinVar aggregate classification (germline): Uncertain significance (1 of 4 stars; one submission).

Conditions:
Pontocerebellar hypoplasia, hypotonia, and respiratory insufficiency syndrome, neonatal lethal. Also called: PHRINL SYNDROME. Identifiers: Orphanet 615954, MedGen C5394137, MONDO:0032931, OMIM 618810.
Harel-Yoon syndrome (HAYOS). Also called: Optic atrophy-peripheral neuropathy-developmental delay syndrome. Identifiers: Orphanet 496790, MedGen C4310677, MONDO:0014958, OMIM 617183.

gnomAD v4.1: 1 of 1,301,780 alleles (0.000077%); highest among the groups gnomAD compares: East Asian, 0.0056%; no homozygotes.

Submission:

Juno Genomics, Hangzhou Juno Genomics, Inc
Classification: Uncertain significance for Harel-Yoon syndrome; Pontocerebellar hypoplasia, hypotonia, and respiratory insufficiency syndrome, neonatal lethal. Review status: criteria provided, single submitter. Criteria: ACMG Guidelines, 2015. Collection method: clinical testing. Allele origin: germline.
Comment: Absent from controls (or at extremely low frequency if recessive) in Genome Aggregation Database.;Multiple lines of computational evidence suggest no impact on gene or gene product.;For recessive disorders, detected in trans with a pathogenic variant.

NM_001170535.3(ATAD3A):c.1338-544G>A

Gene: ATAD3A (ATPase family AAA domain containing 3A; plus strand). Cytogenetic location: 1p36.33.
Variant type: single nucleotide variant.
Coding change: c.1338-544G>A on transcript NM_001170535.3 (MANE Select); 544 bases into the intron before coding-DNA position 1338, G replaced by A.
Molecular consequence: intron variant.
Genome position (GRCh38, 1-based): chr1:1,527,151, G>A. VCF-style: chr1-1527151-G-A. GRCh37 (hg19) VCF-style: chr1-1462531-G-A.
Other names: c.1482-544G>A (NM_018188.5); c.1101-544G>A (NM_001170536.3).
Identifiers: ClinVar variation 5007779 (VCV005007779.2).